The following is an entry in ClinVar:

ClinVar aggregate classification (germline): Uncertain significance (1 of 4 stars; one submission).

Allele frequency attached by ClinVar (database versions not stated): ExAC 0.00001; gnomAD 0.00001; gnomAD exomes 0.00001; TOPMed 0.00002.
gnomAD v4.1: 15 of 1,613,398 alleles (0.00093%); highest among the groups gnomAD compares: African/African-American, 0.0013%; no homozygotes.

Submission:

Labcorp Genetics (formerly Invitae), Labcorp
Classification: Uncertain significance. Last evaluated: 2023-10-03. Review status: criteria provided, single submitter. Criteria: Invitae Variant Classification Sherloc (09022015). Collection method: clinical testing. Allele origin: germline.
Comment: This sequence change replaces alanine, which is neutral and non-polar, with threonine, which is neutral and polar, at codon 506 of the FOXP1 protein (p.Ala506Thr). The frequency data for this variant in the population databases is considered unreliable, as metrics indicate poor data quality at this position in the gnomAD database. This variant has not been reported in the literature in individuals affected with FOXP1-related conditions. ClinVar contains an entry for this variant (Variation ID: 1720664). Advanced modeling of protein sequence and biophysical properties (such as structural, functional, and spatial information, amino acid conservation, physicochemical variation, residue mobility, and thermodynamic stability) performed at Invitae indicates that this missense variant is not expected to disrupt FOXP1 protein function. In summary, the available evidence is currently insufficient to determine the role of this variant in disease. Therefore, it has been classified as a Variant of Uncertain Significance.

NM_001349338.3(FOXP1):c.1516G>A (p.Ala506Thr)

Genes: FOXP1 (forkhead box P1; minus strand), LOC126806714 (BRD4-independent group 4 enhancer GRCh37_chr3:71025197-71026396; plus strand). Cytogenetic location: 3p13.
Variant type: single nucleotide variant.
Coding change: c.1516G>A on transcript NM_001349338.3 (MANE Select); coding-DNA position 1516, G replaced by A.
Protein change: p.Ala506Thr; replaces alanine 506 with threonine.
Molecular consequence: missense variant. On other transcripts: non-coding transcript variant (2).
Genome position (GRCh38, 1-based): chr3:70,976,955, C>T on the plus strand (G>A on the coding strand, the complement: FOXP1 is on the minus strand). VCF-style: chr3-70976955-C-T. GRCh37 (hg19) VCF-style: chr3-71026106-C-T.
Other names: c.1516G>A, p.Ala506Thr (NM_001244816.2, NM_001349339.1, NM_001349340.3 and 3 more transcripts); c.1213G>A, p.Ala405Thr (NM_001349337.2, NM_001349343.3, NM_001349344.3 and 1 more transcripts); c.1513G>A, p.Ala505Thr (NM_001349341.3, NM_001244808.3); c.1216G>A, p.Ala406Thr (NM_001349342.3, NM_001244813.3, NM_001244815.2); c.1288G>A, p.Ala430Thr (NM_001244812.3); short protein forms A405T, A406T, A430T, A505T, A506T.
Identifiers: ClinVar variation 1720664 (VCV001720664.6), dbSNP rs759521321, ClinGen allele CA2490960.